The following is an entry in ClinVar:

ClinVar aggregate classification (germline): Benign/Likely benign. Review status: criteria provided, multiple submitters, no conflicts (2 of 4 stars). 4 submissions from 4 submitters: Benign (1); Likely benign (3). Last evaluated 2026-06-24.

Conditions:
Retinoblastoma (RB1). Also called: RETINOBLASTOMA, SOMATIC. Identifiers: Orphanet 790, MedGen C0035335, MeSH D012175, MONDO:0008380, OMIM 180200, HP:0009919. Disease mechanism: loss of function. Inheritance: Both sporadic and heritable forms are tested..
Hereditary cancer-predisposing syndrome. Also called: Tumor predisposition; Hereditary Cancer Syndrome; Hereditary neoplastic syndrome; Neoplastic Syndromes, Hereditary. Identifiers: Orphanet 140162, MedGen C0027672, MeSH D009386, MONDO:0015356.

Allele frequency attached by ClinVar (database versions not stated): gnomAD exomes below 0.00001; TOPMed 0.00001; gnomAD 0.00001.
gnomAD v4.1: 3 of 1,604,902 alleles (0.00019%); highest among the groups gnomAD compares: African/African-American, 0.004%; no homozygotes.

Submissions (4):

Myriad Genetics, Inc.
Classification: Benign for Retinoblastoma. Last evaluated: 2026-06-24. Review status: criteria provided, single submitter. Criteria: Myriad Autosomal Dominant, Autosomal Recessive and X-Linked Classification Criteria (2023). Collection method: clinical testing. Allele origin: unknown.
Comment: This variant is considered benign. This variant is a silent/synonymous amino acid change and it is not expected to impact splicing.

Labcorp Genetics (formerly Invitae), Labcorp
Classification: Likely benign for Retinoblastoma. Last evaluated: 2025-12-22. Review status: criteria provided, single submitter. Criteria: Invitae Variant Classification Sherloc (09022015). Collection method: clinical testing. Allele origin: germline.

All of Us Research Program, National Institutes of Health
Classification: Likely benign for Retinoblastoma. Last evaluated: 2024-02-05. Review status: criteria provided, single submitter. Criteria: ACMG Guidelines, 2015. Collection method: clinical testing. Allele origin: germline. Inheritance: Autosomal dominant inheritance. Observed: 1 variant allele, 1 heterozygote.
Comment: This study involves interpretation of variants in research participants for the purpose of population health screening. Participant phenotype was not available at the time of variant classification. Additional details can be found in publication PMID: 35346344, PMCID: PMC8962531

Ambry Genetics
Classification: Likely benign for Hereditary cancer-predisposing syndrome. Last evaluated: 2018-02-14. Review status: criteria provided, single submitter. Criteria: Ambry Variant Classification Scheme 2023. Collection method: clinical testing. Allele origin: germline.

NM_000321.3(RB1):c.999A>C (p.Ala333=)

Gene: RB1 (RB transcriptional corepressor 1; plus strand). Cytogenetic location: 13q14.2.
Variant type: single nucleotide variant.
Coding change: c.999A>C on transcript NM_000321.3 (MANE Select); coding-DNA position 999, A replaced by C.
Protein change: p.Ala333=; no amino-acid change (alanine 333 retained).
Molecular consequence: synonymous variant.
Genome position (GRCh38, 1-based): chr13:48,367,553, A>C. VCF-style: chr13-48367553-A-C. GRCh37 (hg19) VCF-style: chr13-48941689-A-C.
Identifiers: ClinVar variation 823595 (VCV000823595.15), dbSNP rs1254874409, ClinGen allele CA483558177.